The following is an entry in ClinVar:

NM_001378902.1(ROS1):c.1797C>A (p.Ala599=)

Gene: ROS1 (ROS proto-oncogene 1, receptor tyrosine kinase; minus strand). Cytogenetic location: 6q22.1.
Variant type: single nucleotide variant.
Coding change: c.1797C>A on transcript NM_001378902.1 (MANE Select); coding-DNA position 1797, C replaced by A.
Protein change: p.Ala599=; no amino-acid change (alanine 599 retained).
Molecular consequence: synonymous variant.
Genome position (GRCh38, 1-based): chr6:117,387,982, G>T on the plus strand (C>A on the coding strand, the complement: ROS1 is on the minus strand). VCF-style: chr6-117387982-G-T. GRCh37 (hg19) VCF-style: chr6-117709145-G-T.
Other names: c.1797C>A, p.Ala599= (NM_001378891.1); c.1812C>A, p.Ala604= (NM_002944.3).
Identifiers: ClinVar variation 4280867 (VCV004280867.7).

ClinVar aggregate classification (germline): Likely benign (1 of 4 stars; one submission).

gnomAD v4.1: 1,094 of 1,614,164 alleles (0.068%); highest among the groups gnomAD compares: African/African-American, 1.3%; 8 homozygotes.

Submission:

CeGaT Center for Human Genetics Tuebingen
Classification: Likely benign. Last evaluated: 2025-09-01. Review status: criteria provided, single submitter. Criteria: CeGaT Center For Human Genetics Tuebingen Variant Classification Criteria Version 2. Collection method: clinical testing. Allele origin: germline. Affected: yes. Observed: 1 variant allele.
Comment: ROS1: BP4, BP7, BS1